The following is an entry in ClinVar:

ClinVar aggregate classification (germline): Conflicting classifications of pathogenicity. Review status: criteria provided, conflicting classifications (1 of 4 stars). 2 submissions from 2 submitters: Uncertain significance (1); Likely benign (1). Last evaluated 2026-01-09.

Conditions:
Hereditary cancer-predisposing syndrome. Also called: Neoplastic Syndromes, Hereditary; Tumor predisposition; Hereditary Cancer Syndrome; Hereditary neoplastic syndrome. Identifiers: Orphanet 140162, MedGen C0027672, MeSH D009386, MONDO:0015356.
Medulloblastoma (MDB). Also called: Medulloblastoma, somatic; MEDULLOBLASTOMA PREDISPOSITION SYNDROME. Identifiers: Orphanet 616, MedGen C0025149, MeSH D008527, MONDO:0007959, OMIM 155255, HP:0002885.
Gorlin syndrome. Also called: Nevoid Basal Cell Carcinoma Syndrome; Basal cell nevus syndrome. Identifiers: Orphanet 377, MedGen C0004779, MONDO:0007187.

Allele frequency attached by ClinVar (database versions not stated): gnomAD exomes 0.00001; ExAC 0.00002; gnomAD 0.00002 and 0.00003; TOPMed 0.00002.

Submissions (2):

Labcorp Genetics (formerly Invitae), Labcorp
Classification: Uncertain significance for Gorlin syndrome; Medulloblastoma. Last evaluated: 2026-01-09. Review status: criteria provided, single submitter. Criteria: Invitae Variant Classification Sherloc (09022015). Collection method: clinical testing. Allele origin: germline.
Comment: This sequence change replaces lysine, which is basic and polar, with arginine, which is basic and polar, at codon 442 of the SUFU protein (p.Lys442Arg). This variant is present in population databases (rs772598739, gnomAD 0.002%). This variant has not been reported in the literature in individuals affected with SUFU-related conditions. ClinVar contains an entry for this variant (Variation ID: 565652). Invitae Evidence Modeling of protein sequence and biophysical properties (such as structural, functional, and spatial information, amino acid conservation, physicochemical variation, residue mobility, and thermodynamic stability) indicates that this missense variant is not expected to disrupt SUFU protein function with a negative predictive value of 80%. In summary, the available evidence is currently insufficient to determine the role of this variant in disease. Therefore, it has been classified as a Variant of Uncertain Significance.

Ambry Genetics
Classification: Likely benign for Hereditary cancer-predisposing syndrome. Last evaluated: 2023-03-23. Review status: criteria provided, single submitter. Criteria: Ambry Variant Classification Scheme 2023. Collection method: clinical testing. Allele origin: germline.

Literature cited by the submitters: PubMed 28965847 (cited by Ambry Genetics).

NM_016169.4(SUFU):c.1325A>G (p.Lys442Arg)

Gene: SUFU (SUFU negative regulator of hedgehog signaling; plus strand). Cytogenetic location: 10q24.32.
Variant type: single nucleotide variant.
Coding change: c.1325A>G on transcript NM_016169.4 (MANE Select); coding-DNA position 1325, A replaced by G.
Protein change: p.Lys442Arg; replaces lysine 442 with arginine.
Molecular consequence: missense variant.
Genome position (GRCh38, 1-based): chr10:102,627,203, A>G. VCF-style: chr10-102627203-A-G. GRCh37 (hg19) VCF-style: chr10-104386960-A-G.
Other names: short protein forms K442R.
Identifiers: ClinVar variation 565652 (VCV000565652.13), dbSNP rs772598739, ClinGen allele CA5667982.